The following is an entry in ClinVar:

ClinVar aggregate classification (germline): Uncertain significance (1 of 4 stars; one submission).

Conditions:
Gastrointestinal stromal tumor. Also called: Gastrointestinal stromal tumor, somatic; Gastrointestinal stroma tumor. Identifiers: Orphanet 44890, MedGen C0238198, MeSH D046152, MONDO:0011719, OMIM 606764, HP:0100723.

Submission:

Labcorp Genetics (formerly Invitae), Labcorp
Classification: Uncertain significance for Gastrointestinal stromal tumor. Last evaluated: 2019-04-17. Review status: criteria provided, single submitter. Criteria: Invitae Variant Classification Sherloc (09022015). Collection method: clinical testing. Allele origin: germline.
Comment: In summary, the available evidence is currently insufficient to determine the role of this variant in disease. Therefore, it has been classified as a Variant of Uncertain Significance. Algorithms developed to predict the effect of missense changes on protein structure and function are either unavailable or do not agree on the potential impact of this missense change (SIFT: "Deleterious"; PolyPhen-2: "Probably Damaging"; Align-GVGD: "Class C0"). This variant has not been reported in the literature in individuals with PDGFRA-related conditions. This variant is not present in population databases (ExAC no frequency). This sequence change replaces cysteine with tyrosine at codon 932 of the PDGFRA protein (p.Cys932Tyr). The cysteine residue is highly conserved and there is a large physicochemical difference between cysteine and tyrosine.

NM_006206.6(PDGFRA):c.2795G>A (p.Cys932Tyr)

Gene: PDGFRA (platelet derived growth factor receptor alpha; plus strand). Cytogenetic location: 4q12.
Variant type: single nucleotide variant.
Coding change: c.2795G>A on transcript NM_006206.6 (MANE Select); coding-DNA position 2795, G replaced by A.
Protein change: p.Cys932Tyr; replaces cysteine 932 with tyrosine.
Molecular consequence: missense variant.
Genome position (GRCh38, 1-based): chr4:54,289,029, G>A. VCF-style: chr4-54289029-G-A. GRCh37 (hg19) VCF-style: chr4-55155196-G-A.
Other names: c.2870G>A, p.Cys957Tyr (NM_001347828.2); c.2795G>A, p.Cys932Tyr (NM_001347829.2); c.2834G>A, p.Cys945Tyr (NM_001347830.2); short protein forms C957Y, C932Y, C945Y.
Identifiers: ClinVar variation 852391 (VCV000852391.10), dbSNP rs1724499483, ClinGen allele CA356895688.